The following is an entry in ClinVar:

ClinVar aggregate classification (germline): Conflicting classifications of pathogenicity. Review status: criteria provided, conflicting classifications (1 of 4 stars). 3 submissions from 3 submitters: Likely pathogenic (1); Uncertain significance (2). Last evaluated 2025-06-12.

Conditions:
Hematuria, benign familial, 1 (BFH1). Also called: THIN MEMBRANE NEPHROPATHY. Identifiers: MedGen CN376803, MONDO:0007709, OMIM 141200.
Autosomal recessive Alport syndrome (ATS2). Also called: COL4A3-Related Nephropathy; ALPORT SYNDROME 2, AUTOSOMAL RECESSIVE; Alport syndrome type 2; COL4A4 Alport Syndrome and Thin Basement Membrane Nephropathy. Identifiers: Orphanet 63, Orphanet 88919, MedGen C4746745, MONDO:0008762, OMIM 203780.
Inborn genetic diseases. Identifiers: MedGen C0950123, MeSH D030342.

Allele frequency attached by ClinVar (database versions not stated): gnomAD exomes below 0.00001; ExAC 0.00001; gnomAD 0.00008; TOPMed 0.00010.
gnomAD v4.1: 19 of 1,614,086 alleles (0.0012%); highest among the groups gnomAD compares: Admixed American, 0.025%; no homozygotes.

Submissions (3):

Labcorp Genetics (formerly Invitae), Labcorp
Classification: Uncertain significance. Last evaluated: 2025-06-12. Review status: criteria provided, single submitter. Criteria: Invitae Variant Classification Sherloc (09022015). Collection method: clinical testing. Allele origin: germline.
Comment: This sequence change replaces phenylalanine, which is neutral and non-polar, with leucine, which is neutral and non-polar, at codon 1040 of the COL4A4 protein (p.Phe1040Leu). This variant is present in population databases (rs749738744, gnomAD 0.006%). This variant has not been reported in the literature in individuals affected with COL4A4-related conditions. ClinVar contains an entry for this variant (Variation ID: 2407505). Invitae Evidence Modeling of protein sequence and biophysical properties (such as structural, functional, and spatial information, amino acid conservation, physicochemical variation, residue mobility, and thermodynamic stability) indicates that this missense variant is not expected to disrupt COL4A4 protein function with a negative predictive value of 95%. In summary, the available evidence is currently insufficient to determine the role of this variant in disease. Therefore, it has been classified as a Variant of Uncertain Significance.

Ambry Genetics
Classification: Uncertain significance for Inborn genetic diseases. Last evaluated: 2024-07-14. Review status: criteria provided, single submitter. Criteria: Ambry Variant Classification Scheme 2023. Collection method: clinical testing. Allele origin: germline.

Fulgent Genetics
Classification: Likely pathogenic for Hematuria, benign familial, 1; Autosomal recessive Alport syndrome. Last evaluated: 2024-05-25. Review status: criteria provided, single submitter. Criteria: ACMG Guidelines, 2015. Collection method: clinical testing. Allele origin: germline.

NM_000092.5(COL4A4):c.3120C>A (p.Phe1040Leu)

Gene: COL4A4 (collagen type IV alpha 4 chain; minus strand). Cytogenetic location: 2q36.3.
Variant type: single nucleotide variant.
Coding change: c.3120C>A on transcript NM_000092.5 (MANE Select); coding-DNA position 3120, C replaced by A.
Protein change: p.Phe1040Leu; replaces phenylalanine 1040 with leucine.
Molecular consequence: missense variant.
Genome position (GRCh38, 1-based): chr2:227,051,007, G>T on the plus strand (C>A on the coding strand, the complement: COL4A4 is on the minus strand). VCF-style: chr2-227051007-G-T. GRCh37 (hg19) VCF-style: chr2-227915723-G-T.
Other names: short protein forms F1040L.
Identifiers: ClinVar variation 2407505 (VCV002407505.5), dbSNP rs749738744, ClinGen allele CA2144632.